The following is an entry in ClinVar:

NM_000465.4(BARD1):c.216-62G>A

Gene: BARD1 (BRCA1 associated RING domain 1; minus strand). Cytogenetic location: 2q35.
Variant type: single nucleotide variant.
Coding change: c.216-62G>A on transcript NM_000465.4 (MANE Select); 62 bases into the intron before coding-DNA position 216, G replaced by A.
Molecular consequence: intron variant.
Genome position (GRCh38, 1-based): chr2:214,792,507, C>T on the plus strand (G>A on the coding strand, the complement: BARD1 is on the minus strand). VCF-style: chr2-214792507-C-T. GRCh37 (hg19) VCF-style: chr2-215657231-C-T.
Other names: c.158+16905G>A (NM_001282548.2); c.159-62G>A (NM_001282543.2); c.215+4554G>A (NM_001282545.2); c.216-62G>A (NM_001282549.2).
Identifiers: ClinVar variation 676468 (VCV000676468.1), dbSNP rs140327786, ClinGen allele CA64799157.

ClinVar aggregate classification (germline): Likely benign (1 of 4 stars; one submission).

Allele frequency attached by ClinVar (database versions not stated): 1000 Genomes Project 30x 0.00453; 1000 Genomes Project 0.00459; TOPMed 0.01235; gnomAD 0.01339 and 0.01380; gnomAD exomes 0.01889.
gnomAD v4.1: 26,235 of 1,442,164 alleles (1.8%); highest among the groups gnomAD compares: Non-Finnish European, 2.2%; 313 homozygotes.

Submission:

GeneDx
Classification: Likely benign. Last evaluated: 2018-06-15. Review status: criteria provided, single submitter. Criteria: GeneDx Variant Classification (06012015). Collection method: clinical testing. Allele origin: germline. Affected: yes.
Comment: This variant is considered likely benign or benign based on one or more of the following criteria: it is a conservative change, it occurs at a poorly conserved position in the protein, it is predicted to be benign by multiple in silico algorithms, and/or has population frequency not consistent with disease.